The following is an entry in ClinVar:

ClinVar aggregate classification (germline): Uncertain significance (1 of 4 stars; one submission).

Conditions:
Cardiovascular phenotype. Identifiers: MedGen CN230736.

Allele frequency attached by ClinVar (database versions not stated): TOPMed below 0.00001.

Submission:

Ambry Genetics
Classification: Uncertain significance for Cardiovascular phenotype. Last evaluated: 2023-06-05. Review status: criteria provided, single submitter. Criteria: Ambry Variant Classification Scheme 2023. Collection method: clinical testing. Allele origin: germline.
Comment: The p.S87I variant (also known as c.260G>T), located in coding exon 2 of the ABCG5 gene, results from a G to T substitution at nucleotide position 260. The serine at codon 87 is replaced by isoleucine, an amino acid with dissimilar properties. This amino acid position is conserved. In addition, the in silico prediction for this alteration is inconclusive. Since supporting evidence is limited at this time, the clinical significance of this alteration remains unclear.

NM_022436.3(ABCG5):c.260G>T (p.Ser87Ile)

Gene: ABCG5 (ATP binding cassette subfamily G member 5; minus strand). Cytogenetic location: 2p21.
Variant type: single nucleotide variant.
Coding change: c.260G>T on transcript NM_022436.3 (MANE Select); coding-DNA position 260, G replaced by T.
Protein change: p.Ser87Ile; replaces serine 87 with isoleucine.
Molecular consequence: missense variant.
Genome position (GRCh38, 1-based): chr2:43,837,839, C>A on the plus strand (G>T on the coding strand, the complement: ABCG5 is on the minus strand). VCF-style: chr2-43837839-C-A. GRCh37 (hg19) VCF-style: chr2-44064978-C-A.
Other names: short protein forms S87I.
Identifiers: ClinVar variation 2564015 (VCV002564015.2), dbSNP rs1471323186, ClinGen allele CA346661391.
Genomic context (GRCh38, chr2:43,837,839, plus strand): 5'-ATGTGGAGTTTAACTCAAGCCAAATCCTTTTTAGAATCCTCCTTCCCAAGCTTACCTGAG[C>A]TTCCTAGGATGCACATGATCTGCCCGCTCTCCACGTACAAGGAGACATCTTTGAGGATCT-3'
Protein context (NP_071881.1, residues 77-97): ESGQIMCILG[Ser87Ile]SGSGKTTLLD